The following is an entry in ClinVar:

NM_021942.6(TRAPPC11):c.1058C>G (p.Ala353Gly)

Gene: TRAPPC11 (trafficking protein particle complex subunit 11; plus strand). Cytogenetic location: 4q35.1.
Variant type: single nucleotide variant.
Coding change: c.1058C>G on transcript NM_021942.6 (MANE Select); coding-DNA position 1058, C replaced by G.
Protein change: p.Ala353Gly; replaces alanine 353 with glycine.
Molecular consequence: missense variant.
Genome position (GRCh38, 1-based): chr4:183,680,212, C>G. VCF-style: chr4-183680212-C-G. GRCh37 (hg19) VCF-style: chr4-184601365-C-G.
Other names: c.1058C>G (NM_021942.4); c.1058C>G, p.Ala353Gly (NM_199053.3); short protein forms A353G.
Identifiers: ClinVar variation 1009253 (VCV001009253.14), dbSNP rs200078740, ClinGen allele CA3151774.

ClinVar aggregate classification (germline): Uncertain significance. Review status: criteria provided, multiple submitters, no conflicts (2 of 4 stars). 6 submissions from 6 submitters: Uncertain significance (5). 1 of the submissions does not count toward it. Last evaluated 2025-03-06.

Conditions:
Autosomal recessive limb-girdle muscular dystrophy type R18 (LGMDR18). Also called: Limb-girdle muscular dystrophy, type 2S; MUSCULAR DYSTROPHY, LIMB-GIRDLE, AUTOSOMAL RECESSIVE 18; Autosomal recessive limb-girdle muscular dystrophy type 2S. Identifiers: Orphanet 369840, MedGen C4517996, MONDO:0014144, OMIM 615356.
Inborn genetic diseases. Identifiers: MedGen C0950123, MeSH D030342.

Allele frequency attached by ClinVar (database versions not stated): gnomAD exomes 0.00010; 1000 Genomes Project 0.00020; ExAC 0.00007; gnomAD 0.00009 and 0.00006; TOPMed 0.00016; ESP Exome Variant Server 0.00015; 1000 Genomes Project 30x 0.00016.

Submissions (6):

Revvity Omics, Revvity
Classification: Uncertain significance for Autosomal recessive limb-girdle muscular dystrophy type R18. Last evaluated: 2025-03-06. Review status: criteria provided, single submitter. Criteria: ACMG Guidelines, 2015. Collection method: clinical testing. Allele origin: germline.

Labcorp Genetics (formerly Invitae), Labcorp
Classification: Uncertain significance for Autosomal recessive limb-girdle muscular dystrophy type R18. Last evaluated: 2024-12-16. Review status: criteria provided, single submitter. Criteria: Invitae Variant Classification Sherloc (09022015). Collection method: clinical testing. Allele origin: germline.
Comment: This sequence change replaces alanine, which is neutral and non-polar, with glycine, which is neutral and non-polar, at codon 353 of the TRAPPC11 protein (p.Ala353Gly). This variant is present in population databases (rs200078740, gnomAD 0.02%). This variant has not been reported in the literature in individuals affected with TRAPPC11-related conditions. ClinVar contains an entry for this variant (Variation ID: 1009253). Invitae Evidence Modeling of protein sequence and biophysical properties (such as structural, functional, and spatial information, amino acid conservation, physicochemical variation, residue mobility, and thermodynamic stability) indicates that this missense variant is expected to disrupt TRAPPC11 protein function with a positive predictive value of 80%. In summary, the available evidence is currently insufficient to determine the role of this variant in disease. Therefore, it has been classified as a Variant of Uncertain Significance.

GeneDx
Classification: Uncertain significance. Last evaluated: 2024-04-22. Review status: criteria provided, single submitter. Criteria: GeneDx Variant Classification Process June 2021. Collection method: clinical testing. Allele origin: germline. Affected: yes.
Comment: In silico analysis supports that this missense variant has a deleterious effect on protein structure/function; This variant is associated with the following publications: (PMID: 38564972)

3billion
Classification: Uncertain significance for Autosomal recessive limb-girdle muscular dystrophy type R18. Last evaluated: 2023-06-27. Review status: criteria provided, single submitter. Criteria: ACMG Guidelines, 2015. Collection method: clinical testing. Allele origin: germline. Affected: yes.
Comment: The variant is observed at an extremely low frequency in the gnomAD v2.1.1 dataset (total allele frequency: 0.010%). Predicted Consequence/Location: Missense variant Therefore, this variant is classified as VUS according to the recommendation of ACMG/AMP guideline.

Ambry Genetics
Classification: Uncertain significance for Inborn genetic diseases. Last evaluated: 2021-08-23. Review status: criteria provided, single submitter. Criteria: Ambry Variant Classification Scheme 2023. Collection method: clinical testing. Allele origin: germline.

OMIM
Classification: Pathogenic for MUSCULAR DYSTROPHY, LIMB-GIRDLE, AUTOSOMAL RECESSIVE 18. Last evaluated: 2024-07-05. Review status: no assertion criteria provided. Collection method: literature only. Allele origin: germline. Not counted in ClinVar's aggregate classification.

Literature cited by the submitters: PubMed 38564972 (cited by OMIM).